The following is an entry in ClinVar:

NM_001244008.2(KIF1A):c.4545G>T (p.Pro1515=)

Gene: KIF1A (kinesin family member 1A; minus strand). Cytogenetic location: 2q37.3.
Variant type: single nucleotide variant.
Coding change: c.4545G>T on transcript NM_001244008.2 (MANE Select); coding-DNA position 4545, G replaced by T.
Protein change: p.Pro1515=; no amino-acid change (proline 1515 retained).
Molecular consequence: synonymous variant.
Genome position (GRCh38, 1-based): chr2:240,722,576, C>A on the plus strand (G>T on the coding strand, the complement: KIF1A is on the minus strand). VCF-style: chr2-240722576-C-A. GRCh37 (hg19) VCF-style: chr2-241661993-C-A.
Other names: c.4269G>T, p.Pro1423= (NM_001320705.2, NM_001379649.1); c.4296G>T, p.Pro1432= (NM_001330289.2); c.4344G>T, p.Pro1448= (NM_001330290.2, NM_001379648.1); c.4620G>T, p.Pro1540= (NM_001379631.1); c.4521G>T, p.Pro1507= (NM_001379632.1); c.4518G>T, p.Pro1506= (NM_001379633.1, NM_001379645.1); c.4371G>T, p.Pro1457= (NM_001379634.1); c.4368G>T, p.Pro1456= (NM_001379635.1, NM_001379646.1); and 7 more.
Identifiers: ClinVar variation 387294 (VCV000387294.15), dbSNP rs540399320, ClinGen allele CA2207392.

ClinVar aggregate classification (germline): Conflicting classifications of pathogenicity. Review status: criteria provided, conflicting classifications (1 of 4 stars). 5 submissions from 5 submitters: Uncertain significance (1); Likely benign (4). Last evaluated 2026-08-01.

Conditions:
Hereditary spastic paraplegia. Also called: Familial spastic paraparesis. Identifiers: Orphanet 685, MedGen C0037773, MONDO:0019064. Disease mechanism: loss of function.
Inborn genetic diseases. Identifiers: MedGen C0950123, MeSH D030342.
Hereditary spastic paraplegia 30. Identifiers: Orphanet 101010, MedGen C5235139, MONDO:0012476.
Neuropathy, hereditary sensory, type 2C. Also called: KIF1A-Related HSAN2 (HSAN2C); Hereditary sensory and autonomic neuropathy type IIC. Identifiers: Orphanet 970, MedGen C3280168, MONDO:0013634, OMIM 614213.
Intellectual disability, autosomal dominant 9 (NESCAVS). Also called: NESCAV SYNDROME; KIF1A-Related Neurodevelopmental Disorder. Identifiers: Orphanet 662367, MedGen C5393830, MONDO:0013656, OMIM 614255.

Allele frequency attached by ClinVar (database versions not stated): TOPMed 0.00005.
gnomAD v4.1: 77 of 1,559,374 alleles (0.0049%); highest among the groups gnomAD compares: Non-Finnish European, 0.0061%; no homozygotes.

Submissions (5):

CeGaT Center for Human Genetics Tuebingen
Classification: Likely benign. Last evaluated: 2026-08-01. Review status: criteria provided, single submitter. Criteria: CeGaT Center For Human Genetics Tuebingen Variant Classification Criteria Version 2. Collection method: clinical testing. Allele origin: germline. Affected: yes. Observed: 1 variant allele.
Comment: KIF1A: BP4, BP7

Labcorp Genetics (formerly Invitae), Labcorp
Classification: Likely benign for Hereditary spastic paraplegia 30; Neuropathy, hereditary sensory, type 2C; Intellectual disability, autosomal dominant 9. Last evaluated: 2025-07-14. Review status: criteria provided, single submitter. Criteria: Invitae Variant Classification Sherloc (09022015). Collection method: clinical testing. Allele origin: germline.

Ambry Genetics
Classification: Likely benign for Inborn genetic diseases. Last evaluated: 2019-07-11. Review status: criteria provided, single submitter. Criteria: Ambry Variant Classification Scheme 2023. Collection method: clinical testing. Allele origin: germline.

Genome Diagnostics Laboratory, The Hospital for Sick Children
Classification: Uncertain significance for Hereditary spastic paraplegia. Last evaluated: 2018-03-01. Review status: criteria provided, single submitter. Criteria: ACMG Guidelines, 2015. Collection method: clinical testing. Allele origin: germline. Affected: yes.

GeneDx
Classification: Likely benign. Last evaluated: 2017-08-14. Review status: criteria provided, single submitter. Criteria: GeneDx Variant Classification (06012015). Collection method: clinical testing. Allele origin: germline. Affected: yes.
Comment: This variant is considered likely benign or benign based on one or more of the following criteria: it is a conservative change, it occurs at a poorly conserved position in the protein, it is predicted to be benign by multiple in silico algorithms, and/or has population frequency not consistent with disease.